The following is an entry in ClinVar:

NM_023110.3(FGFR1):c.2334del (p.Ser779fs)

Gene: FGFR1 (fibroblast growth factor receptor 1; minus strand). Cytogenetic location: 8p11.23.
Variant type: Deletion.
Coding change: c.2334del on transcript NM_023110.3 (MANE Select); coding-DNA position 2334, one base deleted (C; older notation c.2334delC).
Protein change: p.Ser779fs; shifts the reading frame from serine 779.
Molecular consequence: frameshift variant. On other transcripts: intron variant (3).
Genome position (GRCh38, 1-based): chr8:38,413,763, G deleted on the plus strand (C on the coding strand, the reverse complement: FGFR1 is on the minus strand); the first of 5 consecutive G bases (chr8:38,413,763-38,413,767); deleting any one gives the same sequence. VCF-style (leftmost placement, unchanged base first): chr8-38413762-TG-T. GRCh37 (hg19) VCF-style: chr8-38271280-TG-T.
Other names: c.2330delC, p.Ser779Alafs (NM_000604.2); c.2328del, p.Ser777fs (NM_001174063.2, NM_001174065.2, NM_015850.4); c.2304del, p.Ser769fs (NM_001174064.2); c.2067del, p.Ser690fs (NM_001174066.2, NM_023105.3); c.2427del, p.Ser810fs (NM_001174067.2); c.2055del, p.Ser686fs (NM_001354368.2); c.2322del, p.Ser775fs (NM_001410922.1); c.2061del, p.Ser688fs (NM_023106.3); and 3 more; short protein forms S686fs, S688fs, S690fs, S769fs, S775fs, S777fs, S779fs, S810fs.
Identifiers: ClinVar variation 3027171 (VCV003027171.22), dbSNP rs1815201038, ClinGen allele CA1777533193.

ClinVar aggregate classification (germline): Uncertain significance (1 of 4 stars; one submission).

Submission:

CeGaT Center for Human Genetics Tuebingen
Classification: Uncertain significance. Last evaluated: 2024-01-01. Review status: criteria provided, single submitter. Criteria: CeGaT Center For Human Genetics Tuebingen Variant Classification Criteria Version 2. Collection method: clinical testing. Allele origin: germline. Affected: yes. Observed: 1 variant allele.
Comment: FGFR1: PM2, PVS1:Moderate